The following is an entry in ClinVar:

ClinVar aggregate classification (germline): Benign (1 of 4 stars; one submission).

Conditions:
Autosomal dominant nonsyndromic hearing loss 1. Also called: KONIGSMARK SYNDROME; DEAFNESS, AUTOSOMAL DOMINANT 1, WITH OR WITHOUT THROMBOCYTOPENIA. Identifiers: Orphanet 90635, MedGen C1852282, MONDO:0007424, OMIM 124900.

Allele frequency attached by ClinVar (database versions not stated): gnomAD exomes 0.06061; 1000 Genomes Project 0.16114; gnomAD 0.17028 and 0.17917; 1000 Genomes Project 30x 0.17177; TOPMed 0.18805.
gnomAD v4.1: 25,749 of 152,198 alleles (17%); highest among the groups gnomAD compares: African/African-American, 41%; 3,827 homozygotes.

Submission:

Illumina Laboratory Services, Illumina
Classification: Benign for Autosomal dominant nonsyndromic hearing loss 1. Last evaluated: 2018-01-13. Review status: criteria provided, single submitter. Criteria: ICSL Variant Classification Criteria 13 December 2019. Collection method: clinical testing. Allele origin: germline.
Comment: This variant was observed in the ICSL laboratory as part of a predisposition screen in an ostensibly healthy population. It had not been previously curated by ICSL or reported in the Human Gene Mutation Database (HGMD: prior to June 1st, 2018), and was therefore a candidate for classification through an automated scoring system. Utilizing variant allele frequency, disease prevalence and penetrance estimates, and inheritance mode, an automated score was calculated to assess if this variant is too frequent to cause the disease. Based on the score and internal cut-off values, a variant classified as benign is not then subjected to further curation. The score for this variant resulted in a classification of benign for this disease.

NM_005219.5(DIAPH1):c.*1041G>A

Gene: DIAPH1 (diaphanous related formin 1; minus strand). Cytogenetic location: 5q31.3.
Variant type: single nucleotide variant.
Coding change: c.*1041G>A on transcript NM_005219.5 (MANE Select); 1041 bases downstream of the stop codon, G replaced by A.
Molecular consequence: 3 prime UTR variant.
Genome position (GRCh38, 1-based): chr5:141,515,810, C>T on the plus strand (G>A on the coding strand, the complement: DIAPH1 is on the minus strand). VCF-style: chr5-141515810-C-T. GRCh37 (hg19) VCF-style: chr5-140895377-C-T.
Other names: c.*1041G>A (NM_001079812.3); c.*1160G>A (NM_001314007.2).
Identifiers: ClinVar variation 351269 (VCV000351269.5), dbSNP rs6892185, ClinGen allele CA10619195.
Genomic context (GRCh38, chr5:141,515,810, plus strand): 5'-TCGGATTCCCTGGGAGAGAGGATCTGCCTTGGACTCAAGGGTCCAGAAGGTCCAGGGGCA[C>T]ATTCAGGATTGGGCCTGTGAGAAGAAATCCCAGAACTCTGTAACCTGCCACCAAAGCTTC-3'